The following is an entry in ClinVar:

NM_015047.3(EMC1):c.426C>A (p.Tyr142Ter)

Gene: EMC1 (ER membrane protein complex subunit 1; minus strand). Cytogenetic location: 1p36.13.
Variant type: single nucleotide variant.
Coding change: c.426C>A on transcript NM_015047.3 (MANE Select); coding-DNA position 426, C replaced by A.
Protein change: p.Tyr142Ter; replaces tyrosine 142 with a stop codon.
Molecular consequence: nonsense.
Genome position (GRCh38, 1-based): chr1:19,242,428, G>T on the plus strand (C>A on the coding strand, the complement: EMC1 is on the minus strand). VCF-style: chr1-19242428-G-T. GRCh37 (hg19) VCF-style: chr1-19568922-G-T.
Other names: c.426C>A, p.Tyr142Ter (NM_001271427.2, NM_001271428.2, NM_001375820.1 and 1 more transcripts); c.360C>A, p.Tyr120Ter (NM_001271429.2); short protein forms Y142*, Y120*.
Identifiers: ClinVar variation 1451909 (VCV001451909.9), dbSNP rs370952454, ClinGen allele CA338770737.

ClinVar aggregate classification (germline): Pathogenic/Likely pathogenic. Review status: criteria provided, multiple submitters, no conflicts (2 of 4 stars). 4 submissions from 4 submitters: Pathogenic (1); Likely pathogenic (3). Last evaluated 2025-11-12.

Conditions:
Cerebellar atrophy, visual impairment, and psychomotor retardation;. Also called: Cerebellar atrophy, visual impairment, and psychomotor retardation. Identifiers: MedGen C4225172, MONDO:0014811, OMIM 616875.
EMC1-related disorder. Also called: EMC1-related condition.

Allele frequency attached by ClinVar (database versions not stated): TOPMed below 0.00001; gnomAD 0.00001; gnomAD exomes 0.00001.
gnomAD v4.1: 6 of 1,613,994 alleles (0.00037%); highest among the groups gnomAD compares: African/African-American, 0.0013%; no homozygotes.

Submissions (4):

PreventionGenetics, part of Exact Sciences
Classification: Likely pathogenic for EMC1-related condition. Last evaluated: 2025-11-12. Review status: criteria provided, single submitter. Criteria: ACMG Guidelines, 2015. Collection method: clinical testing. Allele origin: germline.
Comment: The EMC1 c.426C>A variant is predicted to result in premature protein termination (p.Tyr142*). To our knowledge, this variant has not been reported in any affected individuals in the literature. This variant is reported in 0.0018% of alleles in individuals of European (Non-Finnish) descent in gnomAD. Nonsense variants in EMC1 are expected to be pathogenic. This variant is interpreted as likely pathogenic.

Labcorp Genetics (formerly Invitae), Labcorp
Classification: Pathogenic. Last evaluated: 2024-01-04. Review status: criteria provided, single submitter. Criteria: Invitae Variant Classification Sherloc (09022015). Collection method: clinical testing. Allele origin: germline.
Comment: This sequence change creates a premature translational stop signal (p.Tyr142*) in the EMC1 gene. It is expected to result in an absent or disrupted protein product. Loss-of-function variants in EMC1 are known to be pathogenic (PMID: 26572623, 26942288, 29271071). This variant is present in population databases (no rsID available, gnomAD 0.002%). This variant has not been reported in the literature in individuals affected with EMC1-related conditions. ClinVar contains an entry for this variant (Variation ID: 1451909). For these reasons, this variant has been classified as Pathogenic.

Blueprint Genetics
Classification: Likely pathogenic for EMC1-related disorders. Last evaluated: 2022-11-06. Review status: criteria provided, single submitter. Criteria: ACMG Guidelines, 2015. Collection method: clinical testing. Allele origin: germline. Affected: yes. Observed: 3 variant alleles.

Fulgent Genetics
Classification: Likely pathogenic for Cerebellar atrophy, visual impairment, and psychomotor retardation;. Last evaluated: 2022-04-07. Review status: criteria provided, single submitter. Criteria: ACMG Guidelines, 2015. Collection method: clinical testing. Allele origin: unknown.

Literature cited by the submitters: PubMed 26572623 (cited by Labcorp Genetics (formerly Invitae), Labcorp); PubMed 26942288 (cited by Labcorp Genetics (formerly Invitae), Labcorp); PubMed 29271071 (cited by Labcorp Genetics (formerly Invitae), Labcorp).